The following is an entry in ClinVar:

NM_000237.3(LPL):c.1406C>A (p.Ser469Tyr)

Gene: LPL (lipoprotein lipase; plus strand). Cytogenetic location: 8p21.3.
Variant type: single nucleotide variant.
Coding change: c.1406C>A on transcript NM_000237.3 (MANE Select); coding-DNA position 1406, C replaced by A.
Protein change: p.Ser469Tyr; replaces serine 469 with tyrosine.
Molecular consequence: missense variant.
Genome position (GRCh38, 1-based): chr8:19,962,198, C>A. VCF-style: chr8-19962198-C-A. GRCh37 (hg19) VCF-style: chr8-19819709-C-A.
Other names: short protein forms S469Y.
Identifiers: ClinVar variation 3867851 (VCV003867851.1).

ClinVar aggregate classification (germline): Uncertain significance (1 of 4 stars; one submission).

Conditions:
Cardiovascular phenotype. Identifiers: MedGen CN230736.

Submission:

Ambry Genetics
Classification: Uncertain significance for Cardiovascular phenotype. Last evaluated: 2024-12-21. Review status: criteria provided, single submitter. Criteria: Ambry Variant Classification Scheme 2023. Collection method: clinical testing. Allele origin: germline.
Comment: The p.S469Y variant (also known as c.1406C>A), located in coding exon 9 of the LPL gene, results from a C to A substitution at nucleotide position 1406. The serine at codon 469 is replaced by tyrosine, an amino acid with dissimilar properties. This amino acid position is conserved. In addition, the in silico prediction for this alteration is inconclusive. Based on the available evidence, the clinical significance of this variant remains unclear.